The following is an entry in ClinVar:

ClinVar aggregate classification (germline): Uncertain significance (1 of 4 stars; one submission).

Conditions:
Cardiovascular phenotype. Identifiers: MedGen CN230736.

Allele frequency attached by ClinVar (database versions not stated): ExAC 0.00006; ESP Exome Variant Server 0.00010.
gnomAD v4.1: 38 of 1,562,560 alleles (0.0024%); highest among the groups gnomAD compares: South Asian, 0.0058%; no homozygotes.

Submission:

Ambry Genetics
Classification: Uncertain significance for Cardiovascular phenotype. Last evaluated: 2020-07-30. Review status: criteria provided, single submitter. Criteria: Ambry Variant Classification Scheme 2023. Collection method: clinical testing. Allele origin: germline.
Comment: The p.R542H variant (also known as c.1625G>A), located in coding exon 4 of the JPH2 gene, results from a G to A substitution at nucleotide position 1625. The arginine at codon 542 is replaced by histidine, an amino acid with highly similar properties. This variant was detected in one individual in a sudden unexplained death cohort; clinical details were limited (Sanchez O et al. PLoS ONE, 2016 Dec;11:e0167358). This amino acid position is not well conserved in available vertebrate species, and histidine is the reference amino acid in other vertebrate species. In addition, this alteration is predicted to be tolerated by in silico analysis. Since supporting evidence is limited at this time, the clinical significance of this alteration remains unclear.

Literature cited by the submitters: PubMed 27930701.

NM_020433.5(JPH2):c.1625G>A (p.Arg542His)

Gene: JPH2 (junctophilin 2; minus strand). Cytogenetic location: 20q13.12.
Variant type: single nucleotide variant.
Coding change: c.1625G>A on transcript NM_020433.5 (MANE Select); coding-DNA position 1625, G replaced by A.
Protein change: p.Arg542His; replaces arginine 542 with histidine.
Molecular consequence: missense variant.
Genome position (GRCh38, 1-based): chr20:44,116,050, C>T on the plus strand (G>A on the coding strand, the complement: JPH2 is on the minus strand). VCF-style: chr20-44116050-C-T. GRCh37 (hg19) VCF-style: chr20-42744690-C-T.
Other names: short protein forms R542H.
Identifiers: ClinVar variation 1776685 (VCV001776685.2), dbSNP rs369279135, ClinGen allele CA9868652.